The following is an entry in ClinVar:

ClinVar aggregate classification (germline): Uncertain significance (1 of 4 stars; one submission).

Allele frequency attached by ClinVar (database versions not stated): gnomAD 0.00001; TOPMed 0.00001; gnomAD exomes below 0.00001; ExAC 0.00001.

Submission:

Labcorp Genetics (formerly Invitae), Labcorp
Classification: Uncertain significance. Last evaluated: 2023-04-20. Review status: criteria provided, single submitter. Criteria: Invitae Variant Classification Sherloc (09022015). Collection method: clinical testing. Allele origin: germline.
Comment: This variant is present in population databases (rs754142312, gnomAD 0.0009%). This variant has not been reported in the literature in individuals affected with APOA5-related conditions. Algorithms developed to predict the effect of missense changes on protein structure and function output the following: SIFT: "Not Available"; PolyPhen-2: "Benign"; Align-GVGD: "Not Available". The serine amino acid residue is found in multiple mammalian species, which suggests that this missense change does not adversely affect protein function. In summary, the available evidence is currently insufficient to determine the role of this variant in disease. Therefore, it has been classified as a Variant of Uncertain Significance. This sequence change replaces arginine, which is basic and polar, with serine, which is neutral and polar, at codon 259 of the APOA5 protein (p.Arg259Ser).

NM_001371904.1(APOA5):c.777A>T (p.Arg259Ser)

Gene: APOA5 (apolipoprotein A5; minus strand). Cytogenetic location: 11q23.3.
Variant type: single nucleotide variant.
Coding change: c.777A>T on transcript NM_001371904.1 (MANE Select); coding-DNA position 777, A replaced by T.
Protein change: p.Arg259Ser; replaces arginine 259 with serine.
Molecular consequence: missense variant.
Genome position (GRCh38, 1-based): chr11:116,790,452, T>A on the plus strand (A>T on the coding strand, the complement: APOA5 is on the minus strand). VCF-style: chr11-116790452-T-A. GRCh37 (hg19) VCF-style: chr11-116661168-T-A.
Other names: c.777A>T, p.Arg259Ser (NM_001166598.2, NM_052968.5); short protein forms R259S.
Identifiers: ClinVar variation 2771672 (VCV002771672.3), dbSNP rs754142312, ClinGen allele CA6288996.